The following is an entry in ClinVar:

NM_000297.4(PKD2):c.901A>G (p.Thr301Ala)

Gene: PKD2 (polycystin 2, transient receptor potential cation channel; plus strand). Cytogenetic location: 4q22.1.
Variant type: single nucleotide variant.
Coding change: c.901A>G on transcript NM_000297.4 (MANE Select); coding-DNA position 901, A replaced by G.
Protein change: p.Thr301Ala; replaces threonine 301 with alanine.
Molecular consequence: missense variant. On other transcripts: non-coding transcript variant (1).
Genome position (GRCh38, 1-based): chr4:88,038,308, A>G. VCF-style: chr4-88038308-A-G. GRCh37 (hg19) VCF-style: chr4-88959460-A-G.
Other names: short protein forms T301A.
Identifiers: ClinVar variation 220406 (VCV000220406.12), dbSNP rs759567768, ClinGen allele CA348412.

ClinVar aggregate classification (germline): Uncertain significance. Review status: criteria provided, multiple submitters, no conflicts (2 of 4 stars). 4 submissions from 4 submitters: Uncertain significance (4). Last evaluated 2025-11-03.

Conditions:
PKD2-related disorder. Also called: PKD2-related condition.
Autosomal dominant polycystic kidney disease. Identifiers: Orphanet 730, MedGen C0085413, MONDO:0004691.

Allele frequency attached by ClinVar (database versions not stated): gnomAD exomes below 0.00001; TOPMed below 0.00001; ExAC 0.00001; gnomAD 0.00001.
gnomAD v4.1: 14 of 1,613,836 alleles (0.00087%); highest among the groups gnomAD compares: Non-Finnish European, 0.0012%; no homozygotes.

Submissions (4):

Labcorp Genetics (formerly Invitae), Labcorp
Classification: Uncertain significance for Autosomal dominant polycystic kidney disease. Last evaluated: 2025-11-03. Review status: criteria provided, single submitter. Criteria: Invitae Variant Classification Sherloc (09022015). Collection method: clinical testing. Allele origin: germline.
Comment: This sequence change replaces threonine, which is neutral and polar, with alanine, which is neutral and non-polar, at codon 301 of the PKD2 protein (p.Thr301Ala). This variant is present in population databases (rs759567768, gnomAD 0.0009%). This variant has not been reported in the literature in individuals affected with PKD2-related conditions. ClinVar contains an entry for this variant (Variation ID: 220406). Invitae Evidence Modeling of protein sequence and biophysical properties (such as structural, functional, and spatial information, amino acid conservation, physicochemical variation, residue mobility, and thermodynamic stability) indicates that this missense variant is not expected to disrupt PKD2 protein function with a negative predictive value of 80%. In summary, the available evidence is currently insufficient to determine the role of this variant in disease. Therefore, it has been classified as a Variant of Uncertain Significance.

PreventionGenetics, part of Exact Sciences
Classification: Uncertain significance for PKD2-related condition. Last evaluated: 2025-07-06. Review status: criteria provided, single submitter. Criteria: ACMG Guidelines, 2015. Collection method: clinical testing. Allele origin: germline.
Comment: The PKD2 c.901A>G variant is predicted to result in the amino acid substitution p.Thr301Ala. To our knowledge, this variant has not been reported in the literature. This variant is reported in 0.00088% of alleles in individuals of European (Non-Finnish) descent in gnomAD. At this time, the clinical significance of this variant is uncertain due to the absence of conclusive functional and genetic evidence.

GeneDx
Classification: Uncertain significance. Last evaluated: 2023-07-13. Review status: criteria provided, single submitter. Criteria: GeneDx Variant Classification Process June 2021. Collection method: clinical testing. Allele origin: germline. Affected: yes.
Comment: Not observed at significant frequency in large population cohorts (gnomAD); In silico analysis supports that this missense variant does not alter protein structure/function; Has not been previously published as pathogenic or benign to our knowledge

Blueprint Genetics
Classification: Uncertain significance. Last evaluated: 2022-02-16. Review status: criteria provided, single submitter. Criteria: ACMG Guidelines, 2015. Collection method: clinical testing. Allele origin: germline.